The following is an entry in ClinVar:

NM_012463.4(ATP6V0A2):c.652G>A (p.Glu218Lys)

Gene: ATP6V0A2 (ATPase H+ transporting V0 subunit a2; plus strand). Cytogenetic location: 12q24.31.
Variant type: single nucleotide variant.
Coding change: c.652G>A on transcript NM_012463.4 (MANE Select); coding-DNA position 652, G replaced by A.
Protein change: p.Glu218Lys; replaces glutamic acid 218 with lysine.
Molecular consequence: missense variant.
Genome position (GRCh38, 1-based): chr12:123,733,929, G>A. VCF-style: chr12-123733929-G-A. GRCh37 (hg19) VCF-style: chr12-124218476-G-A.
Other names: short protein forms E218K.
Identifiers: ClinVar variation 286305 (VCV000286305.10), dbSNP rs759593402, ClinGen allele CA6861698.

ClinVar aggregate classification (germline): Uncertain significance. Review status: criteria provided, multiple submitters, no conflicts (2 of 4 stars). 5 submissions from 5 submitters: Uncertain significance (5). Last evaluated 2024-12-29.

Conditions:
Inborn genetic diseases. Identifiers: MedGen C0950123, MeSH D030342.
ALG9 congenital disorder of glycosylation (CDG1L). Also called: ALG9-CDG; CDG Il; CONGENITAL DISORDER OF GLYCOSYLATION, TYPE Il. Identifiers: Orphanet 79328, MedGen C2931006, MONDO:0012117, OMIM 608776.
Cutis laxa with osteodystrophy (ARCL2A). Also called: CUTIS LAXA WITH BONE DYSTROPHY; CUTIS LAXA WITH GROWTH AND DEVELOPMENTAL DELAY; CUTIS LAXA WITH JOINT LAXITY AND RETARDED DEVELOPMENT; CUTIS LAXA, AUTOSOMAL RECESSIVE, TYPE IIA; CUTIS LAXA WITH CONGENITAL DISORDER OF GLYCOSYLATION; Autosomal recessive cutis laxa type 2A. Identifiers: Orphanet 357058, MedGen C0268355, MONDO:0018163, OMIM 219200. Disease mechanism: loss of function.

Allele frequency attached by ClinVar (database versions not stated): ExAC 0.00001; gnomAD 0.00002; gnomAD exomes 0.00002 and 0.00007; TOPMed 0.00003.
gnomAD v4.1: 104 of 1,610,922 alleles (0.0065%); highest among the groups gnomAD compares: Non-Finnish European, 0.0086%; no homozygotes.

Submissions (5):

Ambry Genetics
Classification: Uncertain significance for Inborn genetic diseases. Last evaluated: 2024-12-29. Review status: criteria provided, single submitter. Criteria: Ambry Variant Classification Scheme 2023. Collection method: clinical testing. Allele origin: germline.

GeneDx
Classification: Uncertain significance. Last evaluated: 2024-05-08. Review status: criteria provided, single submitter. Criteria: GeneDx Variant Classification Process June 2021. Collection method: clinical testing. Allele origin: germline. Affected: yes.
Comment: Not observed at significant frequency in large population cohorts (gnomAD); In silico analysis supports that this missense variant has a deleterious effect on protein structure/function; Has not been previously published as pathogenic or benign to our knowledge

Labcorp Genetics (formerly Invitae), Labcorp
Classification: Uncertain significance for ALG9 congenital disorder of glycosylation. Last evaluated: 2022-04-11. Review status: criteria provided, single submitter. Criteria: Invitae Variant Classification Sherloc (09022015). Collection method: clinical testing. Allele origin: germline.
Comment: This sequence change replaces glutamic acid, which is acidic and polar, with lysine, which is basic and polar, at codon 218 of the ATP6V0A2 protein (p.Glu218Lys). This variant is present in population databases (rs759593402, gnomAD 0.005%). This variant has not been reported in the literature in individuals affected with ATP6V0A2-related conditions. ClinVar contains an entry for this variant (Variation ID: 286305). Algorithms developed to predict the effect of missense changes on protein structure and function are either unavailable or do not agree on the potential impact of this missense change (SIFT: "Deleterious"; PolyPhen-2: "Benign"; Align-GVGD: "Class C15"). In summary, the available evidence is currently insufficient to determine the role of this variant in disease. Therefore, it has been classified as a Variant of Uncertain Significance.

Department of Pathology and Laboratory Medicine, Sinai Health System
Classification: Uncertain significance for autosomal recessive cutis laxa type 2A. Last evaluated: 2021-12-09. Review status: criteria provided, single submitter. Criteria: ACMG Guidelines, 2015. Collection method: research. Allele origin: germline.

Eurofins Ntd Llc (ga)
Classification: Uncertain significance. Last evaluated: 2016-03-03. Review status: criteria provided, single submitter. Criteria: EGL Classification Definitions 2015. Collection method: clinical testing. Allele origin: germline. Observed: 1 variant allele, 1 heterozygote.